The following is an entry in ClinVar:

NM_001042376.3(INS-IGF2):c.381G>A (p.Ala127=)

Genes: IGF2 (insulin like growth factor 2; minus strand), INS-IGF2 (INS-IGF2 readthrough; minus strand). Cytogenetic location: 11p15.5.
Variant type: single nucleotide variant.
Coding change: c.381G>A on transcript NM_001042376.3; coding-DNA position 381, G replaced by A.
Protein change: p.Ala127=; no amino-acid change (alanine 127 retained).
Molecular consequence: synonymous variant. On other transcripts: 5 prime UTR variant (1), non-coding transcript variant (1).
Genome position (GRCh38, 1-based): chr11:2,149,152, C>T on the plus strand (G>A on the coding strand, the complement: INS-IGF2 is on the minus strand). VCF-style: chr11-2149152-C-T. GRCh37 (hg19) VCF-style: chr11-2170382-C-T.
Other names: c.-275G>A (NM_001007139.6).
Identifiers: ClinVar variation 4872676 (VCV004872676.2).
Genomic context (GRCh38, chr11:2,149,152, plus strand): 5'-TTCTCTCACACTCAAGGGATGGGAGCCCAGTTACCTGTACTCTAGTCCCTGCGCAGTCCC[C>T]GCAGCTCCTGGACAGTGGATAAAGAGGACCGGGGAGTCACTGGTGCCCAAGGCTCTCTGC-3'

ClinVar aggregate classification (germline): Likely benign (1 of 4 stars; one submission).

gnomAD v4.1: 33 of 1,613,342 alleles (0.002%); highest among the groups gnomAD compares: Admixed American, 0.033%; no homozygotes.

Submission:

CeGaT Center for Human Genetics Tuebingen
Classification: Likely benign. Last evaluated: 2026-06-01. Review status: criteria provided, single submitter. Criteria: CeGaT Center For Human Genetics Tuebingen Variant Classification Criteria Version 2. Collection method: clinical testing. Allele origin: germline. Affected: yes. Observed: 1 variant allele.
Comment: INS-IGF2: BP4, BP7